The following is an entry in ClinVar:

ClinVar aggregate classification (germline): Uncertain significance (1 of 4 stars; one submission).

Conditions:
Cowden syndrome (CS). Also called: Cowden disease; Cowden's disease; Cowden's syndrome. Identifiers: Orphanet 201, MedGen C0018553, MONDO:0016063. Disease mechanism: gain of function.

Submission:

Labcorp Genetics (formerly Invitae), Labcorp
Classification: Uncertain significance for Cowden syndrome. Last evaluated: 2019-02-12. Review status: criteria provided, single submitter. Criteria: Invitae Variant Classification Sherloc (09022015). Collection method: clinical testing. Allele origin: germline.
Comment: In summary, the available evidence is currently insufficient to determine the role of this variant in disease. Therefore, it has been classified as a Variant of Uncertain Significance. Algorithms developed to predict the effect of missense changes on protein structure and function (SIFT, PolyPhen-2, Align-GVGD) all suggest that this variant is likely to be tolerated, but these predictions have not been confirmed by published functional studies and their clinical significance is uncertain. This variant has not been reported in the literature in individuals with PIK3CA-related conditions. This variant is not present in population databases (ExAC no frequency). This sequence change replaces alanine with serine at codon 333 of the PIK3CA protein (p.Ala333Ser). The alanine residue is moderately conserved and there is a moderate physicochemical difference between alanine and serine.

NM_006218.4(PIK3CA):c.997G>T (p.Ala333Ser)

Gene: PIK3CA (phosphatidylinositol-4,5-bisphosphate 3-kinase catalytic subunit alpha; plus strand). Cytogenetic location: 3q26.32.
Variant type: single nucleotide variant.
Coding change: c.997G>T on transcript NM_006218.4 (MANE Select); coding-DNA position 997, G replaced by T.
Protein change: p.Ala333Ser; replaces alanine 333 with serine.
Molecular consequence: missense variant.
Genome position (GRCh38, 1-based): chr3:179,203,727, G>T. VCF-style: chr3-179203727-G-T. GRCh37 (hg19) VCF-style: chr3-178921515-G-T.
Other names: short protein forms A333S.
Identifiers: ClinVar variation 842924 (VCV000842924.10), dbSNP rs1724482664, ClinGen allele CA355281165.
Genomic context (GRCh38, chr3:179,203,727, plus strand): 5'-ACAGCTACACCATATATGAATGGAGAAACATCTACAAAATCCCTTTGGGTTATAAATAGT[G>T]CACTCAGAATAAAAATTCTTTGTGCAACCTACGTGAATGTAAATATTCGAGACATTGATA-3'
Protein context (NP_006209.2, residues 323-343): STKSLWVINS[Ala333Ser]LRIKILCATY